The following is an entry in ClinVar:

NM_001042492.3(NF1):c.733T>A (p.Cys245Ser)

Gene: NF1 (neurofibromin 1; plus strand). Cytogenetic location: 17q11.2.
Variant type: single nucleotide variant.
Coding change: c.733T>A on transcript NM_001042492.3 (MANE Select); coding-DNA position 733, T replaced by A.
Protein change: p.Cys245Ser; replaces cysteine 245 with serine.
Molecular consequence: missense variant.
Genome position (GRCh38, 1-based): chr17:31,182,510, T>A. VCF-style: chr17-31182510-T-A. GRCh37 (hg19) VCF-style: chr17-29509528-T-A.
Other names: c.733T>A, p.Cys245Ser (NM_000267.4, NM_001128147.3); short protein forms C245S.
Identifiers: ClinVar variation 4800706 (VCV004800706.1).

ClinVar aggregate classification (germline): Uncertain significance (1 of 4 stars; one submission).

Conditions:
Neurofibromatosis, type 1 (NF1). Also called: VON RECKLINGHAUSEN DISEASE; Neurofibromatosis, type I; NEUROFIBROMATOSIS, TYPE I, SOMATIC; Peripheral type neurofibromatosis. Identifiers: Orphanet 636, MedGen C0027831, MONDO:0018975, OMIM 162200. Disease mechanism: loss of function.

Submission:

Labcorp Genetics (formerly Invitae), Labcorp
Classification: Uncertain significance for Neurofibromatosis, type 1. Last evaluated: 2025-11-05. Review status: criteria provided, single submitter. Criteria: Invitae Variant Classification Sherloc (09022015). Collection method: clinical testing. Allele origin: germline.
Comment: This sequence change replaces cysteine, which is neutral and slightly polar, with serine, which is neutral and polar, at codon 245 of the NF1 protein (p.Cys245Ser). This variant is not present in population databases (gnomAD no frequency). This variant has not been reported in the literature in individuals affected with NF1-related conditions. Invitae Evidence Modeling of protein sequence and biophysical properties (such as structural, functional, and spatial information, amino acid conservation, physicochemical variation, residue mobility, and thermodynamic stability) indicates that this missense variant is not expected to disrupt NF1 protein function with a negative predictive value of 95%. In summary, the available evidence is currently insufficient to determine the role of this variant in disease. Therefore, it has been classified as a Variant of Uncertain Significance.